The following is an entry in ClinVar:

NM_004170.6(SLC1A1):c.261C>T (p.Ser87=)

Gene: SLC1A1 (solute carrier family 1 member 1; plus strand). Cytogenetic location: 9p24.2.
Variant type: single nucleotide variant.
Coding change: c.261C>T on transcript NM_004170.6 (MANE Select); coding-DNA position 261, C replaced by T.
Protein change: p.Ser87=; no amino-acid change (serine 87 retained).
Molecular consequence: synonymous variant.
Genome position (GRCh38, 1-based): chr9:4,561,477, C>T. VCF-style: chr9-4561477-C-T. GRCh37 (hg19) VCF-style: chr9-4561477-C-T.
Identifiers: ClinVar variation 733731 (VCV000733731.9), dbSNP rs79429045, ClinGen allele CA4968900.

ClinVar aggregate classification (germline): Benign. Review status: criteria provided, multiple submitters, no conflicts (2 of 4 stars). 3 submissions from 3 submitters: Benign (3). Last evaluated 2019-12-31.

Conditions:
Dicarboxylic aminoaciduria (DCBXA). Also called: GLUTAMATE-ASPARTATE TRANSPORT DEFECT. Identifiers: Orphanet 2195, MedGen C1857253, MONDO:0009110, OMIM 222730.

Allele frequency attached by ClinVar (database versions not stated): gnomAD exomes 0.00059 and 0.00167; ExAC 0.00197; 1000 Genomes Project 0.00579; 1000 Genomes Project 30x 0.00593; gnomAD 0.00612 and 0.00660; ESP Exome Variant Server 0.00646; TOPMed 0.00649.

Submissions (3):

Labcorp Genetics (formerly Invitae), Labcorp
Classification: Benign. Last evaluated: 2019-12-31. Review status: criteria provided, single submitter. Criteria: Invitae Variant Classification Sherloc (09022015). Collection method: clinical testing. Allele origin: germline.

Illumina Laboratory Services, Illumina
Classification: Benign for Dicarboxylic aminoaciduria. Last evaluated: 2018-01-12. Review status: criteria provided, single submitter. Criteria: ICSL Variant Classification Criteria 13 December 2019. Collection method: clinical testing. Allele origin: germline.
Comment: This variant was observed in the ICSL laboratory as part of a predisposition screen in an ostensibly healthy population. It had not been previously curated by ICSL or reported in the Human Gene Mutation Database (HGMD: prior to June 1st, 2018), and was therefore a candidate for classification through an automated scoring system. Utilizing variant allele frequency, disease prevalence and penetrance estimates, and inheritance mode, an automated score was calculated to assess if this variant is too frequent to cause the disease. Based on the score and internal cut-off values, a variant classified as benign is not then subjected to further curation. The score for this variant resulted in a classification of benign for this disease.

Breakthrough Genomics
Classification: Benign. Review status: criteria provided, single submitter. Criteria: ACMG Guidelines, 2015. Collection method: not provided. Allele origin: germline. Inheritance: Autosomal recessive inheritance. Affected: yes.